The following is an entry in ClinVar:

ClinVar aggregate classification (germline): Uncertain significance. Review status: criteria provided, single submitter (1 of 4 stars). 2 submissions from 2 submitters: Uncertain significance (1). 1 of the submissions does not count toward it. Last evaluated 2025-09-01.

Conditions:
Giant axonal neuropathy 1 (GAN1). Also called: GIANT AXONAL NEUROPATHY 1, AUTOSOMAL RECESSIVE; GAN-Related Neurodegeneration. Identifiers: Orphanet 643, MedGen C1850386, MONDO:0009749, OMIM 256850.

Allele frequency attached by ClinVar (database versions not stated): gnomAD 0.00001; TOPMed 0.00001; ExAC 0.00002.
gnomAD v4.1: 10 of 1,613,966 alleles (0.00062%); highest among the groups gnomAD compares: South Asian, 0.0077%; no homozygotes.

Submissions (2):

CeGaT Center for Human Genetics Tuebingen
Classification: Uncertain significance. Last evaluated: 2025-09-01. Review status: criteria provided, single submitter. Criteria: CeGaT Center For Human Genetics Tuebingen Variant Classification Criteria Version 2. Collection method: clinical testing. Allele origin: germline. Affected: yes. Observed: 1 variant allele.
Comment: GAN: PM2

Inherited Neuropathy Consortium Ii, University Of Miami
Classification: Pathogenic for Giant axonal neuropathy 1. Last evaluated: 2019-11-20. Review status: no assertion criteria provided. Collection method: clinical testing. Allele origin: germline. Affected: yes. Not counted in ClinVar's aggregate classification.

NM_022041.4(GAN):c.1670C>G (p.Thr557Ser)

Gene: GAN (gigaxonin; plus strand). Cytogenetic location: 16q23.2.
Variant type: single nucleotide variant.
Coding change: c.1670C>G on transcript NM_022041.4 (MANE Select); coding-DNA position 1670, C replaced by G.
Protein change: p.Thr557Ser; replaces threonine 557 with serine.
Molecular consequence: missense variant.
Genome position (GRCh38, 1-based): chr16:81,377,472, C>G. VCF-style: chr16-81377472-C-G. GRCh37 (hg19) VCF-style: chr16-81411077-C-G.
Other names: c.1031C>G, p.Thr344Ser (NM_001377486.1); short protein forms T344S, T557S.
Identifiers: ClinVar variation 2431044 (VCV002431044.9), dbSNP rs774809254, ClinGen allele CA8191854.